The following is an entry in ClinVar:

ClinVar aggregate classification (germline): Uncertain significance (1 of 4 stars; one submission).

Submission:

Labcorp Genetics (formerly Invitae), Labcorp
Classification: Uncertain significance. Last evaluated: 2021-12-02. Review status: criteria provided, single submitter. Criteria: Invitae Variant Classification Sherloc (09022015). Collection method: clinical testing. Allele origin: germline.
Comment: In summary, the available evidence is currently insufficient to determine the role of this variant in disease. Therefore, it has been classified as a Variant of Uncertain Significance. Algorithms developed to predict the effect of sequence changes on RNA splicing suggest that this variant may create or strengthen a splice site. Algorithms developed to predict the effect of missense changes on protein structure and function (SIFT, PolyPhen-2, Align-GVGD) all suggest that this variant is likely to be tolerated. This variant has not been reported in the literature in individuals affected with TRMT5-related conditions. This variant is not present in population databases (gnomAD no frequency). This sequence change replaces methionine, which is neutral and non-polar, with valine, which is neutral and non-polar, at codon 41 of the TRMT5 protein (p.Met41Val).

NM_020810.3(TRMT5):c.121A>G (p.Met41Val)

Gene: TRMT5 (tRNA methyltransferase 5; minus strand). Cytogenetic location: 14q23.1.
Variant type: single nucleotide variant.
Coding change: c.121A>G on transcript NM_020810.3 (MANE Select); coding-DNA position 121, A replaced by G.
Protein change: p.Met41Val; replaces methionine 41 with valine.
Molecular consequence: missense variant.
Genome position (GRCh38, 1-based): chr14:60,979,777, T>C on the plus strand (A>G on the coding strand, the complement: TRMT5 is on the minus strand). VCF-style: chr14-60979777-T-C. GRCh37 (hg19) VCF-style: chr14-61446495-T-C.
Other names: c.205A>G, p.Met69Val (NM_001350253.1); c.202A>G, p.Met68Val (NM_001350254.1); short protein forms M68V, M69V, M41V.
Identifiers: ClinVar variation 1517782 (VCV001517782.8), dbSNP rs2139646294, ClinGen allele CA389921606.